The following is an entry in ClinVar:

NM_000260.4(MYO7A):c.1046C>G (p.Ser349Cys)

Gene: MYO7A (myosin VIIA; plus strand). Cytogenetic location: 11q13.5.
Variant type: single nucleotide variant.
Coding change: c.1046C>G on transcript NM_000260.4 (MANE Select); coding-DNA position 1046, C replaced by G.
Protein change: p.Ser349Cys; replaces serine 349 with cysteine.
Molecular consequence: missense variant.
Genome position (GRCh38, 1-based): chr11:77,159,489, C>G. VCF-style: chr11-77159489-C-G. GRCh37 (hg19) VCF-style: chr11-76870535-C-G.
Other names: c.1046C>G, p.Ser349Cys (NM_001127180.2); c.1013C>G, p.Ser338Cys (NM_001369365.1); short protein forms S349C, S338C.
Identifiers: ClinVar variation 1990786 (VCV001990786.2), dbSNP rs782432573, ClinGen allele CA6197354.

ClinVar aggregate classification (germline): Uncertain significance. Review status: criteria provided, multiple submitters, no conflicts (2 of 4 stars). 2 submissions from 2 submitters: Uncertain significance (2). Last evaluated 2022-03-18.

gnomAD v4.1: 4 of 1,579,020 alleles (0.00025%); highest among the groups gnomAD compares: African/African-American, 0.0054%; no homozygotes.

Submissions (2):

Labcorp Genetics (formerly Invitae), Labcorp
Classification: Uncertain significance. Last evaluated: 2022-03-18. Review status: criteria provided, single submitter. Criteria: Invitae Variant Classification Sherloc (09022015). Collection method: clinical testing. Allele origin: germline.
Comment: This sequence change replaces serine, which is neutral and polar, with cysteine, which is neutral and slightly polar, at codon 349 of the MYO7A protein (p.Ser349Cys). This variant is present in population databases (rs782432573, gnomAD 0.007%). This variant has not been reported in the literature in individuals affected with MYO7A-related conditions. Advanced modeling of protein sequence and biophysical properties (such as structural, functional, and spatial information, amino acid conservation, physicochemical variation, residue mobility, and thermodynamic stability) performed at Invitae indicates that this missense variant is not expected to disrupt MYO7A protein function. In summary, the available evidence is currently insufficient to determine the role of this variant in disease. Therefore, it has been classified as a Variant of Uncertain Significance.

Blueprint Genetics
Classification: Uncertain significance. Last evaluated: 2019-02-05. Review status: criteria provided, single submitter. Criteria: ACMG Guidelines, 2015. Collection method: clinical testing. Allele origin: germline.